The following is an entry in ClinVar:

ClinVar aggregate classification (germline): Uncertain significance (1 of 4 stars; one submission).

Conditions:
Epilepsy, idiopathic generalized, susceptibility to, 13. Also called: EPILEPSY, JUVENILE MYOCLONIC, SUSCEPTIBILITY TO, 5. Identifiers: Orphanet 307, Orphanet 64280, MedGen C4013473, MONDO:0012627, OMIM 611136.
Epilepsy, childhood absence 4 (ECA4). Also called: EPILEPSY, CHILDHOOD ABSENCE, SUSCEPTIBILITY TO, 4. Identifiers: Orphanet 307, MedGen C1970160.
Idiopathic generalized epilepsy. Also called: EIG; Generalised epilepsy. Identifiers: MedGen C0270850, MONDO:0005579, OMIM 600669.

Submission:

Labcorp Genetics (formerly Invitae), Labcorp
Classification: Uncertain significance for Epilepsy, childhood absence 4; Epilepsy, idiopathic generalized, susceptibility to, 13; Idiopathic generalized epilepsy. Last evaluated: 2019-03-21. Review status: criteria provided, single submitter. Criteria: Invitae Variant Classification Sherloc (09022015). Collection method: clinical testing. Allele origin: germline.
Comment: This sequence change falls in intron 8 of the GABRA1 gene. It does not directly change the encoded amino acid sequence of the GABRA1 protein, but it affects a nucleotide within the consensus splice site of the intron. This variant is not present in population databases (ExAC no frequency). This variant has not been reported in the literature in individuals with GABRA1-related conditions. Nucleotide substitutions within the consensus splice site are a relatively common cause of aberrant splicing (PMID: 17576681, 9536098). Algorithms developed to predict the effect of sequence changes on RNA splicing suggest that this variant may disrupt the consensus splice site, but this prediction has not been confirmed by published transcriptional studies. In summary, the available evidence is currently insufficient to determine the role of this variant in disease. Therefore, it has been classified as a Variant of Uncertain Significance.

Literature cited by the submitters: PubMed 17576681; PubMed 9536098.

NM_001127644.2(GABRA1):c.703+5G>A

Gene: GABRA1 (gamma-aminobutyric acid type A receptor subunit alpha1; plus strand). Cytogenetic location: 5q34.
Variant type: single nucleotide variant.
Coding change: c.703+5G>A on transcript NM_001127644.2 (MANE Select); 5 bases into the intron after coding-DNA position 703, G replaced by A.
Molecular consequence: intron variant.
Genome position (GRCh38, 1-based): chr5:161,882,706, G>A. VCF-style: chr5-161882706-G-A. GRCh37 (hg19) VCF-style: chr5-161309712-G-A.
Other names: c.703+5G>A (NM_000806.5, NM_001127643.2, NM_001127645.2 and 1 more transcripts).
Identifiers: ClinVar variation 848130 (VCV000848130.3), dbSNP rs1754668246, ClinGen allele CA916082794.